The following is an entry in ClinVar:

ClinVar aggregate classification (germline): Likely benign (1 of 4 stars; one submission).

Conditions:
SEMA3B-related disorder. Also called: SEMA3B-related condition.

gnomAD v4.1: 4 of 1,538,154 alleles (0.00026%); highest among the groups gnomAD compares: Non-Finnish European, 0.00035%; no homozygotes.

Submission:

PreventionGenetics, part of Exact Sciences
Classification: Likely benign for SEMA3B-related condition. Last evaluated: 2025-04-02. Review status: criteria provided, single submitter. Criteria: ACMG Guidelines, 2015. Collection method: clinical testing. Allele origin: germline.
Comment: This variant is classified as likely benign based on ACMG/AMP sequence variant interpretation guidelines (Richards et al. 2015 PMID: 25741868, with internal and published modifications).

NM_001290060.2(SEMA3B):c.33G>A (p.Pro11=)

Gene: SEMA3B (semaphorin 3B; plus strand). Cytogenetic location: 3p21.31.
Variant type: single nucleotide variant.
Coding change: c.33G>A on transcript NM_001290060.2 (MANE Select); coding-DNA position 33, G replaced by A.
Protein change: p.Pro11=; no amino-acid change (proline 11 retained).
Molecular consequence: synonymous variant.
Genome position (GRCh38, 1-based): chr3:50,269,273, G>A. VCF-style: chr3-50269273-G-A. GRCh37 (hg19) VCF-style: chr3-50306705-G-A.
Other names: c.33G>A, p.Pro11= (NM_001005914.3, NM_001290061.1, NM_001435956.1 and 3 more transcripts).
Identifiers: ClinVar variation 4987941 (VCV004987941.1).